The following is an entry in ClinVar:

ClinVar aggregate classification (germline): Conflicting classifications of pathogenicity. Review status: criteria provided, conflicting classifications (1 of 4 stars). 4 submissions from 4 submitters: Pathogenic (2); Likely pathogenic (1); Uncertain significance (1). Last evaluated 2026-10-07.

Conditions:
Intellectual developmental disorder, autosomal recessive 57. Also called: Intellectual disability, autosomal recessive 57. Identifiers: MedGen C4310673, MONDO:0014962, OMIM 617188.

Allele frequency attached by ClinVar (database versions not stated): TOPMed below 0.00001.

Submissions (4):

GeneDx
Classification: Pathogenic. Last evaluated: 2026-10-07. Review status: criteria provided, single submitter. Criteria: GeneDx Variant Classification Process June 2021. Collection method: clinical testing. Allele origin: germline.
Comment: Nonsense variant predicted to result in protein truncation or nonsense mediated decay in a gene for which loss of function is a known mechanism of disease; Not observed at significant frequency in large population cohorts (gnomAD); This variant is associated with the following publications: (PMID: 30701556)

Medical and Scientific Branch, Hong Kong Genome Institute
Classification: Pathogenic for Intellectual developmental disorder, autosomal recessive 57. Last evaluated: 2026-01-26. Review status: criteria provided, single submitter. Criteria: ACMG Guidelines, 2015. Collection method: clinical testing. Allele origin: biparental. Affected: yes.

Genomic Medicine Center of Excellence, King Faisal Specialist Hospital and Research Centre
Classification: Uncertain significance for Intellectual developmental disorder, autosomal recessive 57. Last evaluated: 2024-03-17. Review status: criteria provided, single submitter. Criteria: ACMG Guidelines, 2015. Collection method: research. Allele origin: germline.

Institute of Human Genetics, University of Leipzig Medical Center
Classification: Likely pathogenic for Intellectual developmental disorder, autosomal recessive 57. Last evaluated: 2020-10-26. Review status: criteria provided, single submitter. Criteria: ACMG Guidelines, 2015. Collection method: clinical testing. Allele origin: biparental. Affected: yes.
Comment: This variant was identified as homozygous.

NM_024298.5(MBOAT7):c.259C>T (p.Arg87Ter)

Gene: MBOAT7 (membrane bound acylglycerophosphatidylinositol O-acyltransferase MBOAT7; minus strand). Cytogenetic location: 19q13.42.
Variant type: single nucleotide variant.
Coding change: c.259C>T on transcript NM_024298.5 (MANE Select); coding-DNA position 259, C replaced by T.
Protein change: p.Arg87Ter; replaces arginine 87 with a stop codon.
Molecular consequence: nonsense. On other transcripts: intron variant (2).
Genome position (GRCh38, 1-based): chr19:54,187,235, G>A on the plus strand (C>T on the coding strand, the complement: MBOAT7 is on the minus strand). VCF-style: chr19-54187235-G-A. GRCh37 (hg19) VCF-style: chr19-54691117-G-A.
Other names: c.259C>T, p.Arg87Ter (NM_001146082.3); c.114+982C>T (NM_001146056.3, NM_001146083.3); c.259C>T (NM_024298.4); short protein forms R87*.
Identifiers: ClinVar variation 1285426 (VCV001285426.6), dbSNP rs2076453599, ClinGen allele CA407796803.
Genomic context (GRCh38, chr19:54,187,235, plus strand): 5'-GCAGCTGGACGGCATTGGTGAAGGGCGTGGGAGTGGGCAGGCCCAGGAGGCTGAGGGCTC[G>A]GAAGAACAGGAGATAGGAGAAAGTCCAGGCCAGAGCCAGGGCGTGGCAGGAGCTGGGCAA-3'